The following is an entry in ClinVar:

ClinVar aggregate classification (germline): Likely benign. Review status: criteria provided, single submitter (1 of 4 stars). 2 submissions from 2 submitters: Likely benign (1). 1 of the submissions does not count toward it. Last evaluated 2017-12-28.

Conditions:
SYT14-related disorder. Also called: SYT14-related condition.

Allele frequency attached by ClinVar (database versions not stated): ESP Exome Variant Server 0.00023; TOPMed 0.00030.
gnomAD v4.1: 112 of 1,613,906 alleles (0.0069%); highest among the groups gnomAD compares: African/African-American, 0.037%; no homozygotes.

Submissions (2):

Athena Diagnostics
Classification: Likely benign. Last evaluated: 2017-12-28. Review status: criteria provided, single submitter. Criteria: Athena Diagnostics Criteria. Collection method: clinical testing. Allele origin: germline.

PreventionGenetics, part of Exact Sciences
Classification: Likely benign for SYT14-related condition. Last evaluated: 2019-08-14. Review status: no assertion criteria provided. Collection method: clinical testing. Allele origin: germline. Not counted in ClinVar's aggregate classification.
Comment: This variant is classified as likely benign based on ACMG/AMP sequence variant interpretation guidelines (Richards et al. 2015 PMID: 25741868, with internal and published modifications).

NM_001146262.4(SYT14):c.285G>A (p.Ala95=)

Gene: SYT14 (synaptotagmin 14; plus strand). Cytogenetic location: 1q32.2.
Variant type: single nucleotide variant.
Coding change: c.285G>A on transcript NM_001146262.4 (MANE Select); coding-DNA position 285, G replaced by A.
Protein change: p.Ala95=; no amino-acid change (alanine 95 retained).
Molecular consequence: synonymous variant. On other transcripts: non-coding transcript variant (1).
Genome position (GRCh38, 1-based): chr1:210,021,097, G>A. VCF-style: chr1-210021097-G-A. GRCh37 (hg19) VCF-style: chr1-210194442-G-A.
Other names: c.420G>A, p.Ala140= (NM_001146261.4, NM_001146264.4); c.171G>A, p.Ala57= (NM_001256006.3); c.1155G>A, p.Ala385= (NM_001397544.1, NM_001397545.1); c.285G>A, p.Ala95= (NM_153262.5); c.420G>A (NM_001146261.2).
Identifiers: ClinVar variation 586694 (VCV000586694.5), dbSNP rs141974517, ClinGen allele CA1378235.